The following is an entry in ClinVar:

ClinVar aggregate classification (germline): Uncertain significance. Review status: criteria provided, multiple submitters, no conflicts (2 of 4 stars). 4 submissions from 4 submitters: Uncertain significance (4). Last evaluated 2025-08-13.

Conditions:
Cardiovascular phenotype. Identifiers: MedGen CN230736.
Cardiomyopathy (CMYO). Also called: Cardiomyopathies. Identifiers: Orphanet 167848, MedGen C0878544, MONDO:0004994, HP:0001638. Inheritance: Various modes of inheritance.
Arrhythmogenic right ventricular dysplasia 11. Also called: Arrhythmogenic Right Ventricular Dysplasia/Cardiomyopathy11; ARRHYTHMOGENIC RIGHT VENTRICULAR DYSPLASIA, FAMILIAL, 11; Arrhythmogenic right ventricular dysplasia 11 with mild palmoplantar keratoderma and woolly hair. Identifiers: MedGen C1864850, MONDO:0012506, OMIM 610476.

Allele frequency attached by ClinVar (database versions not stated): gnomAD exomes below 0.00001.
gnomAD v4.1: 1 of 1,613,714 alleles (0.000062%); highest among the groups gnomAD compares: Admixed American, 0.0017%; no homozygotes.

Submissions (4):

Labcorp Genetics (formerly Invitae), Labcorp
Classification: Uncertain significance for Arrhythmogenic right ventricular dysplasia 11. Last evaluated: 2025-08-13. Review status: criteria provided, single submitter. Criteria: Invitae Variant Classification Sherloc (09022015). Collection method: clinical testing. Allele origin: germline.
Comment: This sequence change replaces threonine, which is neutral and polar, with lysine, which is basic and polar, at codon 82 of the DSC2 protein (p.Thr82Lys). This variant is present in population databases (no rsID available, gnomAD 0.003%). This variant has not been reported in the literature in individuals affected with DSC2-related conditions. ClinVar contains an entry for this variant (Variation ID: 1791605). Invitae Evidence Modeling of protein sequence and biophysical properties (such as structural, functional, and spatial information, amino acid conservation, physicochemical variation, residue mobility, and thermodynamic stability) indicates that this missense variant is not expected to disrupt DSC2 protein function with a negative predictive value of 80%. In summary, the available evidence is currently insufficient to determine the role of this variant in disease. Therefore, it has been classified as a Variant of Uncertain Significance.

Color Diagnostics, LLC DBA Color Health
Classification: Uncertain significance for Cardiomyopathy. Last evaluated: 2023-12-11. Review status: criteria provided, single submitter. Criteria: ACMG Guidelines, 2015. Collection method: clinical testing. Allele origin: germline.
Comment: This missense variant replaces threonine with lysine at codon 82 of the DSC2 protein. Computational prediction suggests that this variant may not impact protein structure and function (internally defined REVEL score threshold <= 0.5, PMID: 27666373). To our knowledge, functional studies have not been reported for this variant. This variant has not been reported in individuals affected with DSC2-related disorders in the literature. This variant has been identified in 1/251002 chromosomes in the general population by the Genome Aggregation Database (gnomAD). The available evidence is insufficient to determine the role of this variant in disease conclusively. Therefore, this variant is classified as a Variant of Uncertain Significance.

GeneDx
Classification: Uncertain significance. Last evaluated: 2022-11-11. Review status: criteria provided, single submitter. Criteria: GeneDx Variant Classification Process June 2021. Collection method: clinical testing. Allele origin: germline. Affected: yes.
Comment: Not observed at significant frequency in large population cohorts (gnomAD); In silico analysis supports that this missense variant has a deleterious effect on protein structure/function; Has not been previously published as pathogenic or benign to our knowledge

Ambry Genetics
Classification: Uncertain significance for Cardiovascular phenotype. Last evaluated: 2021-08-23. Review status: criteria provided, single submitter. Criteria: Ambry Variant Classification Scheme 2023. Collection method: clinical testing. Allele origin: germline.

NM_024422.6(DSC2):c.245C>A (p.Thr82Lys)

Gene: DSC2 (desmocollin 2; minus strand). Cytogenetic location: 18q12.1.
Variant type: single nucleotide variant.
Coding change: c.245C>A on transcript NM_024422.6 (MANE Select); coding-DNA position 245, C replaced by A.
Protein change: p.Thr82Lys; replaces threonine 82 with lysine.
Molecular consequence: missense variant.
Genome position (GRCh38, 1-based): chr18:31,092,210, G>T on the plus strand (C>A on the coding strand, the complement: DSC2 is on the minus strand). VCF-style: chr18-31092210-G-T. GRCh37 (hg19) VCF-style: chr18-28672173-G-T.
Other names: c.-185C>A (NM_001406506.1, NM_001406507.1); c.245C>A, p.Thr82Lys (NM_004949.5); short protein forms T82K.
Identifiers: ClinVar variation 1791605 (VCV001791605.6), dbSNP rs1267065182, ClinGen allele CA402114799.